The following is an entry in ClinVar:

ClinVar aggregate classification (germline): Conflicting classifications of pathogenicity. Review status: criteria provided, conflicting classifications (1 of 4 stars). 3 submissions from 3 submitters: Uncertain significance (2); Likely benign (1). Last evaluated 2025-09-26.

Conditions:
Inborn genetic diseases. Identifiers: MedGen C0950123, MeSH D030342.
Nemaline myopathy 2 (NEM2). Also called: Nemaline myopathy 2, autosomal recessive. Identifiers: MedGen C1850569, MONDO:0009725, OMIM 256030.

Allele frequency attached by ClinVar (database versions not stated): gnomAD exomes 0.00001; ExAC 0.00002; gnomAD 0.00002; TOPMed 0.00002.
gnomAD v4.1: 17 of 1,599,216 alleles (0.0011%); highest among the groups gnomAD compares: African/African-American, 0.0027%; no homozygotes.

Submissions (3):

Labcorp Genetics (formerly Invitae), Labcorp
Classification: Likely benign for Nemaline myopathy 2. Last evaluated: 2025-09-26. Review status: criteria provided, single submitter. Criteria: Invitae Variant Classification Sherloc (09022015). Collection method: clinical testing. Allele origin: germline.

GeneDx
Classification: Uncertain significance. Last evaluated: 2024-06-21. Review status: criteria provided, single submitter. Criteria: GeneDx Variant Classification Process June 2021. Collection method: clinical testing. Allele origin: germline. Affected: yes.
Comment: Not observed at significant frequency in large population cohorts (gnomAD); In silico analysis supports that this missense variant has a deleterious effect on protein structure/function; Has not been previously published as pathogenic or benign to our knowledge

Ambry Genetics
Classification: Uncertain significance for Inborn genetic diseases. Last evaluated: 2023-11-13. Review status: criteria provided, single submitter. Criteria: Ambry Variant Classification Scheme 2023. Collection method: clinical testing. Allele origin: germline.

NM_001164508.2(NEB):c.17165G>A (p.Gly5722Asp)

Gene: NEB (nebulin; minus strand). Cytogenetic location: 2q23.3.
Variant type: single nucleotide variant.
Coding change: c.17165G>A on transcript NM_001164508.2 (MANE Select); coding-DNA position 17165, G replaced by A.
Protein change: p.Gly5722Asp; replaces glycine 5722 with aspartic acid.
Molecular consequence: missense variant.
Genome position (GRCh38, 1-based): chr2:151,570,346, C>T on the plus strand (G>A on the coding strand, the complement: NEB is on the minus strand). VCF-style: chr2-151570346-C-T. GRCh37 (hg19) VCF-style: chr2-152426860-C-T.
Other names: c.17165G>A, p.Gly5722Asp (NM_001164507.2, NM_001271208.2); c.12062G>A, p.Gly4021Asp (NM_004543.5); short protein forms G4021D, G5722D.
Identifiers: ClinVar variation 3188786 (VCV003188786.3), dbSNP rs780030963, ClinGen allele CA1908269.